The following is an entry in ClinVar:

ClinVar aggregate classification (germline): Uncertain significance (1 of 4 stars; one submission).

Allele frequency attached by ClinVar (database versions not stated): gnomAD exomes below 0.00001; ExAC 0.00002; gnomAD 0.00006; TOPMed 0.00006; 1000 Genomes Project 30x 0.00016; 1000 Genomes Project 0.00020.
gnomAD v4.1: 17 of 1,610,906 alleles (0.0011%); highest among the groups gnomAD compares: African/African-American, 0.012%; no homozygotes.

Submission:

Labcorp Genetics (formerly Invitae), Labcorp
Classification: Uncertain significance. Last evaluated: 2022-08-01. Review status: criteria provided, single submitter. Criteria: Invitae Variant Classification Sherloc (09022015). Collection method: clinical testing. Allele origin: germline.
Comment: This sequence change falls in intron 6 of the MED17 gene. It does not directly change the encoded amino acid sequence of the MED17 protein. This variant is present in population databases (rs544497508, gnomAD 0.02%). This variant has not been reported in the literature in individuals affected with MED17-related conditions. Algorithms developed to predict the effect of sequence changes on RNA splicing suggest that this variant may create or strengthen a splice site. In summary, the available evidence is currently insufficient to determine the role of this variant in disease. Therefore, it has been classified as a Variant of Uncertain Significance.

NM_004268.5(MED17):c.1013-4A>G

Gene: MED17 (mediator complex subunit 17; plus strand). Cytogenetic location: 11q21.
Variant type: single nucleotide variant.
Coding change: c.1013-4A>G on transcript NM_004268.5 (MANE Select); 4 bases into the intron before coding-DNA position 1013, A replaced by G.
Molecular consequence: intron variant.
Genome position (GRCh38, 1-based): chr11:93,796,406, A>G. VCF-style: chr11-93796406-A-G. GRCh37 (hg19) VCF-style: chr11-93529572-A-G.
Identifiers: ClinVar variation 2162491 (VCV002162491.1), dbSNP rs544497508, ClinGen allele CA6232503.